The following is an entry in ClinVar:

ClinVar aggregate classification (germline): Uncertain significance. Review status: criteria provided, multiple submitters, no conflicts (2 of 4 stars). 3 submissions from 3 submitters: Uncertain significance (3). Last evaluated 2025-08-02.

Conditions:
Epilepsy, childhood absence, susceptibility to, 6. Identifiers: Orphanet 64280, MedGen C2749872, MONDO:0012763, OMIM 611942.
Hyperaldosteronism, familial, type IV (HALD4). Also called: FH IV; ALDOSTERONISM, PRIMARY, AND HYPERTENSION. Identifiers: Orphanet 642671, MedGen C4310756, MONDO:0014875, OMIM 617027.
Idiopathic generalized epilepsy. Also called: EIG; Generalised epilepsy. Identifiers: MedGen C0270850, MONDO:0005579, OMIM 600669.

Allele frequency attached by ClinVar (database versions not stated): ExAC 0.00004; gnomAD 0.00004; gnomAD exomes 0.00004 and 0.00006; TOPMed 0.00009.
gnomAD v4.1: 67 of 1,611,366 alleles (0.0042%); highest among the groups gnomAD compares: South Asian, 0.017%; no homozygotes.

Submissions (3):

Labcorp Genetics (formerly Invitae), Labcorp
Classification: Uncertain significance for Idiopathic generalized epilepsy; Hyperaldosteronism, familial, type IV. Last evaluated: 2025-08-02. Review status: criteria provided, single submitter. Criteria: Invitae Variant Classification Sherloc (09022015). Collection method: clinical testing. Allele origin: germline.
Comment: This sequence change replaces alanine, which is neutral and non-polar, with valine, which is neutral and non-polar, at codon 1706 of the CACNA1H protein (p.Ala1706Val). This variant is present in population databases (rs371121613, gnomAD 0.03%). This variant has not been reported in the literature in individuals affected with CACNA1H-related conditions. ClinVar contains an entry for this variant (Variation ID: 1025269). Invitae Evidence Modeling of protein sequence and biophysical properties (such as structural, functional, and spatial information, amino acid conservation, physicochemical variation, residue mobility, and thermodynamic stability) indicates that this missense variant is not expected to disrupt CACNA1H protein function with a negative predictive value of 80%. In summary, the available evidence is currently insufficient to determine the role of this variant in disease. Therefore, it has been classified as a Variant of Uncertain Significance.

Fulgent Genetics
Classification: Uncertain significance for Epilepsy, childhood absence, susceptibility to, 6; Hyperaldosteronism, familial, type IV. Last evaluated: 2024-05-14. Review status: criteria provided, single submitter. Criteria: ACMG Guidelines, 2015. Collection method: clinical testing. Allele origin: germline.

Laboratorio de Genetica e Diagnostico Molecular, Hospital Israelita Albert Einstein
Classification: Uncertain significance. Last evaluated: 2019-10-21. Review status: criteria provided, single submitter. Criteria: ACMG Guidelines, 2015. Collection method: clinical testing. Allele origin: germline. Affected: yes.
Comment: ACMG classification criteria: PM2

NM_021098.3(CACNA1H):c.5117C>T (p.Ala1706Val)

Gene: CACNA1H (calcium voltage-gated channel subunit alpha1 H; plus strand). Cytogenetic location: 16p13.3.
Variant type: single nucleotide variant.
Coding change: c.5117C>T on transcript NM_021098.3 (MANE Select); coding-DNA position 5117, C replaced by T.
Protein change: p.Ala1706Val; replaces alanine 1706 with valine.
Molecular consequence: missense variant.
Genome position (GRCh38, 1-based): chr16:1,215,319, C>T. VCF-style: chr16-1215319-C-T. GRCh37 (hg19) VCF-style: chr16-1265319-C-T.
Other names: c.5099C>T, p.Ala1700Val (NM_001005407.2); short protein forms A1700V, A1706V.
Identifiers: ClinVar variation 1025269 (VCV001025269.10), dbSNP rs371121613, ClinGen allele CA7801798.
Genomic context (GRCh38, chr16:1,215,319, plus strand): 5'-TGGCCATCGTGCTGCTGTCACTCATGGGCATCACGCTGGAGGAGATAGAGATGAGCGCCG[C>T]GCTGCCCATCAACCCCACCATCATCCGCATCATGCGCGTGCTTCGCATTGCCCGTGGTAG-3'
Protein context (NP_066921.2, residues 1696-1716): ITLEEIEMSA[Ala1706Val]LPINPTIIRI